The following is an entry in ClinVar:

ClinVar aggregate classification (germline): Uncertain significance (1 of 4 stars; one submission).

Conditions:
Brugada syndrome 4 (BRGDA4). Identifiers: Orphanet 130, MedGen C2678477, MONDO:0012743, OMIM 611876.

gnomAD v4.1: 1 of 1,614,136 alleles (0.000062%); highest among the groups gnomAD compares: East Asian, 0.0022%; no homozygotes.

Submission:

Labcorp Genetics (formerly Invitae), Labcorp
Classification: Uncertain significance for Brugada syndrome 4. Last evaluated: 2024-03-04. Review status: criteria provided, single submitter. Criteria: Invitae Variant Classification Sherloc (09022015). Collection method: clinical testing. Allele origin: germline.
Comment: This sequence change falls in intron 6 of the CACNB2 gene. It does not directly change the encoded amino acid sequence of the CACNB2 protein. It affects a nucleotide within the consensus splice site. This variant is not present in population databases (gnomAD no frequency). This variant has not been reported in the literature in individuals affected with CACNB2-related conditions. Variants that disrupt the consensus splice site are a relatively common cause of aberrant splicing (PMID: 17576681, 9536098). Algorithms developed to predict the effect of sequence changes on RNA splicing suggest that this variant is not likely to affect RNA splicing. In summary, the available evidence is currently insufficient to determine the role of this variant in disease. Therefore, it has been classified as a Variant of Uncertain Significance.

Literature cited by the submitters: PubMed 17576681; PubMed 9536098.

NM_201596.3(CACNB2):c.804+6A>G

Gene: CACNB2 (calcium voltage-gated channel auxiliary subunit beta 2; plus strand). Cytogenetic location: 10p12.31.
Variant type: single nucleotide variant.
Coding change: c.804+6A>G on transcript NM_201596.3 (MANE Select); 6 bases into the intron after coding-DNA position 804, A replaced by G.
Molecular consequence: intron variant.
Genome position (GRCh38, 1-based): chr10:18,514,375, A>G. VCF-style: chr10-18514375-A-G. GRCh37 (hg19) VCF-style: chr10-18803304-A-G.
Other names: c.720+6A>G (NM_201571.4); c.587-136A>G (NM_001167945.2); c.587-605A>G (NM_201572.4); c.671-136A>G (NM_201593.3); c.671-605A>G (NM_201597.3); c.639+6A>G (NM_000724.4); c.506-136A>G (NM_001330060.2); c.642+6A>G (NM_201590.3); and 2 more.
Identifiers: ClinVar variation 3718139 (VCV003718139.2).